The following is an entry in ClinVar:

ClinVar aggregate classification (germline): Uncertain significance. Review status: criteria provided, multiple submitters, no conflicts (2 of 4 stars). 2 submissions from 2 submitters: Uncertain significance (2). Last evaluated 2024-08-14.

Conditions:
Autoinflammatory syndrome. Identifiers: Orphanet 93665, MedGen C3890737, MONDO:0019751.

gnomAD v4.1: 8 of 1,587,120 alleles (0.0005%); highest among the groups gnomAD compares: Middle Eastern, 0.02%; no homozygotes.

Submissions (2):

Women's Health and Genetics/Laboratory Corporation of America, LabCorp
Classification: Uncertain significance. Last evaluated: 2024-08-14. Review status: criteria provided, single submitter. Criteria: LabCorp Variant Classification Summary - May 2015. Collection method: clinical testing. Allele origin: germline.
Comment: Variant summary: MEFV c.586G>A (p.Gly196Arg) results in a non-conservative amino acid change in the encoded protein sequence. Four of five in-silico tools predict a benign effect of the variant on protein function. The variant allele was found at a frequency of 4.9e-06 in 203408 control chromosomes. The available data on variant occurrences in the general population are insufficient to allow any conclusion about variant significance. c.586G>A has been reported in the literature in a comound heterozygous individual affected with Familial Mediterranean Fever (Kilinc_2016). These data do not allow any conclusion about variant significance. To our knowledge, no experimental evidence demonstrating an impact on protein function has been reported. ClinVar contains an entry for this variant (Variation ID: 1694344). Based on the evidence outlined above, the variant was classified as uncertain significance.

Genome Diagnostics Laboratory, The Hospital for Sick Children
Classification: Uncertain significance for Autoinflammatory syndrome. Last evaluated: 2017-08-15. Review status: criteria provided, single submitter. Criteria: ACMG Guidelines, 2015. Collection method: clinical testing. Allele origin: germline. Affected: yes.

Literature cited by the submitters: PubMed 26215181 (cited by Women's Health and Genetics/Laboratory Corporation of America, LabCorp).

NM_000243.3(MEFV):c.586G>A (p.Gly196Arg)

Gene: MEFV (MEFV innate immunity regulator, pyrin; minus strand). Cytogenetic location: 16p13.3.
Variant type: single nucleotide variant.
Coding change: c.586G>A on transcript NM_000243.3 (MANE Select); coding-DNA position 586, G replaced by A.
Protein change: p.Gly196Arg; replaces glycine 196 with arginine.
Molecular consequence: missense variant. On other transcripts: intron variant (1).
Genome position (GRCh38, 1-based): chr16:3,254,482, C>T on the plus strand (G>A on the coding strand, the complement: MEFV is on the minus strand). VCF-style: chr16-3254482-C-T. GRCh37 (hg19) VCF-style: chr16-3304482-C-T.
Other names: c.277+1829G>A (NM_001198536.2); short protein forms G196R.
Identifiers: ClinVar variation 1694344 (VCV001694344.4), dbSNP rs104895179, ClinGen allele CA394479376.